The following is an entry in ClinVar:

NM_000540.3(RYR1):c.14194A>C (p.Ile4732Leu)

Gene: RYR1 (ryanodine receptor 1; plus strand). Cytogenetic location: 19q13.2.
Variant type: single nucleotide variant.
Coding change: c.14194A>C on transcript NM_000540.3 (MANE Select); coding-DNA position 14194, A replaced by C.
Protein change: p.Ile4732Leu; replaces isoleucine 4732 with leucine.
Molecular consequence: missense variant.
Genome position (GRCh38, 1-based): chr19:38,577,939, A>C. VCF-style: chr19-38577939-A-C. GRCh37 (hg19) VCF-style: chr19-39068579-A-C.
Other names: c.14179A>C, p.Ile4727Leu (NM_001042723.2); short protein forms I4727L, I4732L.
Identifiers: ClinVar variation 3071374 (VCV003071374.3), dbSNP rs1387825535, ClinGen allele CA405684271.

ClinVar aggregate classification (germline): Uncertain significance. Review status: criteria provided, multiple submitters, no conflicts (2 of 4 stars). 3 submissions from 3 submitters: Uncertain significance (3). Last evaluated 2025-12-11.

Conditions:
Malignant hyperthermia, susceptibility to, 1 (MHS1). Also called: Anesthesia related hyperthermia; Malignant hyperpyrexia; Fulminating hyperpyrexia; Pharmacogenic myopathy; RYR1-Related Malignant Hyperthermia Susceptibility; Malignant hyperthermia suceptibility 1. Identifiers: Orphanet 423, MedGen C2930980, MONDO:0007783, OMIM 145600.
Inborn genetic diseases. Identifiers: MedGen C0950123, MeSH D030342.

Allele frequency attached by ClinVar (database versions not stated): gnomAD exomes below 0.00001; TOPMed 0.00001; gnomAD 0.00002.
gnomAD v4.1: 5 of 1,614,044 alleles (0.00031%); highest among the groups gnomAD compares: Non-Finnish European, 0.00042%; no homozygotes.

Submissions (3):

Ambry Genetics
Classification: Uncertain significance for Inborn genetic diseases. Last evaluated: 2025-12-11. Review status: criteria provided, single submitter. Criteria: Ambry Variant Classification Scheme 2023. Collection method: clinical testing. Allele origin: germline.

Color Diagnostics, LLC DBA Color Health
Classification: Uncertain significance for Malignant hyperthermia, susceptibility to, 1. Last evaluated: 2025-06-23. Review status: criteria provided, single submitter. Criteria: ACMG Guidelines, 2015. Collection method: clinical testing. Allele origin: germline.
Comment: This missense variant replaces isoleucine with leucine at codon 4732 of the RYR1 protein. Computational prediction suggests that this variant may not impact protein structure and function. To our knowledge, functional studies have not been reported for this variant. This variant has not been reported in individuals affected with RYR1-related disorders in the literature. This variant has been identified in 2/282754 chromosomes in the general population by the Genome Aggregation Database (gnomAD). The available evidence is insufficient to determine the role of this variant in disease conclusively. Therefore, this variant is classified as a Variant of Uncertain Significance.

All of Us Research Program, National Institutes of Health
Classification: Uncertain significance for Malignant hyperthermia, susceptibility to, 1. Last evaluated: 2023-05-31. Review status: criteria provided, single submitter. Criteria: ACMG Guidelines, 2015. Collection method: clinical testing. Allele origin: germline. Inheritance: Autosomal dominant inheritance. Observed: 1 variant allele, 1 heterozygote.
Comment: This study involves interpretation of variants in research participants for the purpose of population health screening. Participant phenotype was not available at the time of variant classification. Additional details can be found in publication PMID: 35346344, PMCID: PMC8962531